The following is an entry in ClinVar:

ClinVar aggregate classification (germline): Uncertain significance (1 of 4 stars; one submission).

Submission:

Labcorp Genetics (formerly Invitae), Labcorp
Classification: Uncertain significance. Last evaluated: 2025-11-06. Review status: criteria provided, single submitter. Criteria: Invitae Variant Classification Sherloc (09022015). Collection method: clinical testing. Allele origin: germline.
Comment: This sequence change replaces arginine, which is basic and polar, with serine, which is neutral and polar, at codon 258 of the IL12RB2 protein (p.Arg258Ser). This variant is not present in population databases (gnomAD no frequency). This variant has not been reported in the literature in individuals affected with IL12RB2-related conditions. An algorithm developed to predict the effect of missense changes on protein structure and function (PolyPhen-2) suggests that this variant is likely to be disruptive. In summary, the available evidence is currently insufficient to determine the role of this variant in disease. Therefore, it has been classified as a Variant of Uncertain Significance.

NM_001374259.2(IL12RB2):c.774A>C (p.Arg258Ser)

Gene: IL12RB2 (interleukin 12 receptor subunit beta 2; plus strand). Cytogenetic location: 1p31.3.
Variant type: single nucleotide variant.
Coding change: c.774A>C on transcript NM_001374259.2 (MANE Select); coding-DNA position 774, A replaced by C.
Protein change: p.Arg258Ser; replaces arginine 258 with serine.
Molecular consequence: missense variant. On other transcripts: non-coding transcript variant (2).
Genome position (GRCh38, 1-based): chr1:67,329,696, A>C. VCF-style: chr1-67329696-A-C. GRCh37 (hg19) VCF-style: chr1-67795379-A-C.
Other names: c.774A>C, p.Arg258Ser (NM_001258214.1, NM_001258215.1, NM_001258216.1 and 2 more transcripts); short protein forms R258S.
Identifiers: ClinVar variation 4799941 (VCV004799941.1).